The following is an entry in ClinVar:

ClinVar aggregate classification (germline): Pathogenic (1 of 4 stars; one submission).

Conditions:
Duchenne muscular dystrophy (DMD). Also called: MUSCULAR DYSTROPHY, PSEUDOHYPERTROPHIC PROGRESSIVE, DUCHENNE TYPE; Duchenne Muscular Dystrophy (DMD). Identifiers: Orphanet 98896, MedGen C0013264, MONDO:0010679, OMIM 310200.

Submission:

Labcorp Genetics (formerly Invitae), Labcorp
Classification: Pathogenic for Duchenne muscular dystrophy. Last evaluated: 2022-07-24. Review status: criteria provided, single submitter. Criteria: Invitae Variant Classification Sherloc (09022015). Collection method: clinical testing. Allele origin: germline.
Comment: This sequence change creates a premature translational stop signal (p.Gln2198*) in the DMD gene. It is expected to result in an absent or disrupted protein product. Loss-of-function variants in DMD are known to be pathogenic (PMID: 16770791, 25007885). This variant is not present in population databases (gnomAD no frequency). This premature translational stop signal has been observed in individual(s) with Duchenne muscular dystrophy (PMID: 16331671). ClinVar contains an entry for this variant (Variation ID: 1322455). For these reasons, this variant has been classified as Pathogenic.

Literature cited by the submitters: PubMed 16770791; PubMed 25007885; PubMed 16331671.

NM_004006.3(DMD):c.6592C>T (p.Gln2198Ter)

Gene: DMD (dystrophin; minus strand). Cytogenetic location: Xp21.1.
Variant type: single nucleotide variant.
Coding change: c.6592C>T on transcript NM_004006.3 (MANE Select); coding-DNA position 6592, C replaced by T.
Protein change: p.Gln2198Ter; replaces glutamine 2198 with a stop codon.
Molecular consequence: nonsense. On other transcripts: 5 prime UTR variant (5).
Genome position (GRCh38, 1-based): chrX:31,968,361, G>A on the plus strand (C>T on the coding strand, the complement: DMD is on the minus strand). VCF-style: chrX-31968361-G-A. GRCh37 (hg19) VCF-style: chrX-31986478-G-A.
Other names: c.6568C>T, p.Gln2190Ter (NM_000109.4); c.6580C>T, p.Gln2194Ter (NM_004009.3); c.6223C>T, p.Gln2075Ter (NM_004010.3); c.2569C>T, p.Gln857Ter (NM_004011.4); c.2560C>T, p.Gln854Ter (NM_004012.4); c.-789C>T (NM_004013.3, NM_004020.4, NM_004021.3 and 2 more transcripts); short protein forms Q2075*, Q2190*, Q2194*, Q2198*, Q854*, Q857*.
Identifiers: ClinVar variation 1322455 (VCV001322455.6), dbSNP rs2150187018, ClinGen allele CA412659506.
Genomic context (GRCh38, chrX:31,968,361, plus strand): 5'-CTAAAATGTTTTCATTCCTATTAGATCTGTCGCCCTACCTCTTTTTTCTGTCTGACAGCT[G>A]TTTGCAGACCTCCTGCCACCGCAGATTCAGGCTTCCCAATTTTTCCTGTAGAATACTGGC-3'